The following is an entry in ClinVar:

NM_170665.4(ATP2A2):c.1185-1G>A

Gene: ATP2A2 (ATPase sarcoplasmic/endoplasmic reticulum Ca2+ transporting 2; plus strand). Cytogenetic location: 12q24.11.
Variant type: single nucleotide variant.
Coding change: c.1185-1G>A on transcript NM_170665.4 (MANE Select); the canonical splice acceptor site of the intron before coding-DNA position 1185, G replaced by A.
Molecular consequence: splice acceptor variant.
Genome position (GRCh38, 1-based): chr12:110,333,180, G>A. VCF-style: chr12-110333180-G-A. GRCh37 (hg19) VCF-style: chr12-110770985-G-A.
Other names: c.810-1G>A (NM_001413015.1); c.1185-1G>A (NM_001413014.1, NM_001681.4); c.1080-1G>A (NM_001413013.1).
Identifiers: ClinVar variation 379334 (VCV000379334.2), dbSNP rs1057520577, ClinGen allele CA16606469.
Genomic context (GRCh38, chr12:110,333,180, plus strand): 5'-GGCGGGAGGAATCAATAGTGGCGACCATACCCTGCTCTAAGAGTGTTTTCTCTTTGGGCA[G>A]GCATAAAGATGATAAACCAGTGAATTGTCACCAGTATGATGGTCTGGTAGAATTAGCAAC-3'

ClinVar aggregate classification (germline): Pathogenic (1 of 4 stars; one submission).

Submission:

GeneDx
Classification: Pathogenic. Last evaluated: 2015-04-08. Review status: criteria provided, single submitter. Criteria: GeneDx Variant Classification (06012015). Collection method: clinical testing. Allele origin: germline. Affected: yes.
Comment: The c.1185-1 G>A splice site variant in the ATP2A2 gene destroys the canonical splice acceptor site inintron 9. It is predicted to cause abnormal gene splicing, either leading to an abnormal message that issubject to nonsense-mediated mRNA decay, or to an abnormal protein product if the message is used forprotein translation. Although this variant has not been previously reported to our knowledge, we consider it to be pathogenic.